The following is an entry in ClinVar:

ClinVar aggregate classification (germline): Pathogenic/Likely pathogenic. Review status: criteria provided, multiple submitters, no conflicts (2 of 4 stars). 3 submissions from 3 submitters: Pathogenic (1); Likely pathogenic (2). Last evaluated 2025-06-11.

Conditions:
Hypertrophic cardiomyopathy. Also called: HYPERTROPHIC MYOCARDIOPATHY. Identifiers: Orphanet 217569, MedGen C0007194, MeSH D002312, MONDO:0005045, HP:0001639.

Submissions (3):

Labcorp Genetics (formerly Invitae), Labcorp
Classification: Pathogenic for Hypertrophic cardiomyopathy. Last evaluated: 2025-06-11. Review status: criteria provided, single submitter. Criteria: Invitae Variant Classification Sherloc (09022015). Collection method: clinical testing. Allele origin: germline.
Comment: This sequence change replaces glycine, which is neutral and non-polar, with alanine, which is neutral and non-polar, at codon 708 of the MYH7 protein (p.Gly708Ala). This variant is not present in population databases (gnomAD no frequency). This missense change has been observed in individuals with hypertrophic cardiomyopathy and/or left ventricular noncompaction (PMID: 25031304, 27532257, 33500567, 37652022; internal data). ClinVar contains an entry for this variant (Variation ID: 42882). Invitae Evidence Modeling of protein sequence and biophysical properties (such as structural, functional, and spatial information, amino acid conservation, physicochemical variation, residue mobility, and thermodynamic stability) indicates that this missense variant is expected to disrupt MYH7 protein function with a positive predictive value of 95%. For these reasons, this variant has been classified as Pathogenic.

GeneDx
Classification: Likely pathogenic. Last evaluated: 2021-02-09. Review status: criteria provided, single submitter. Criteria: GeneDx Variant Classification Process June 2021. Collection method: clinical testing. Allele origin: germline. Affected: yes.
Comment: Identified in patients with HCM referred for genetic testing at GeneDx and in the published literature (Homburger et al., 2016; Walsh et al., 2017; Helms et al., 2014); Not observed in large population cohorts (Lek et al., 2016); In silico analysis supports that this missense variant has a deleterious effect on protein structure/function; Reported in ClinVar as a likely pathogenic variant (ClinVar Variant ID# 42882; Landrum et al., 2016); This variant is associated with the following publications: (PMID: 25031304, 27532257, 27247418)

Laboratory for Molecular Medicine, Mass General Brigham Personalized Medicine
Classification: Likely pathogenic for Hypertrophic cardiomyopathy. Last evaluated: 2017-06-06. Review status: criteria provided, single submitter. Criteria: LMM Criteria. Collection method: clinical testing. Allele origin: germline. Inheritance: Autosomal dominant inheritance. Observed: 4 variant alleles.
Comment: The p.Gly708Ala variant in MYH7 has been reported in 3 individuals with HCM, 1 i ndividual with LVNC, and segregated with disease in 1 affected relative (Helms 2 014, LMM data). This variant has been reported in ClinVar (Variation ID: 42882). This variant is absent from large population studies. Glycine (Gly) at position 708 is highly conserved in mammals and across evolutionarily distant species an d the change to alanine (Ala) was predicted to be pathogenic using a computation al tool clinically validated by our laboratory. This tool's pathogenic predictio n is estimated to be correct 94% of the time (Jordan 2011). Of note, this varian t lies in the head region of the protein. Missense variants in this region have been reported and statistically indicated to be more likely to cause disease (Wa lsh 2016). In summary, although additional studies are required to fully establi sh its clinical significance, the p.Gly708Ala variant is likely pathogenic.

Literature cited by the submitters: PubMed 25031304 (cited by Labcorp Genetics (formerly Invitae), Labcorp and Laboratory for Molecular Medicine, Mass General Brigham Personalized Medicine); PubMed 27532257 (cited by Labcorp Genetics (formerly Invitae), Labcorp and Laboratory for Molecular Medicine, Mass General Brigham Personalized Medicine); PubMed 33500567 (cited by Labcorp Genetics (formerly Invitae), Labcorp); PubMed 37652022 (cited by Labcorp Genetics (formerly Invitae), Labcorp); PubMed 27247418 (cited by Laboratory for Molecular Medicine, Mass General Brigham Personalized Medicine).

NM_000257.4(MYH7):c.2123G>C (p.Gly708Ala)

Gene: MYH7 (myosin heavy chain 7; minus strand). Cytogenetic location: 14q11.2.
Variant type: single nucleotide variant.
Coding change: c.2123G>C on transcript NM_000257.4 (MANE Select); coding-DNA position 2123, G replaced by C.
Protein change: p.Gly708Ala; replaces glycine 708 with alanine.
Molecular consequence: missense variant.
Genome position (GRCh38, 1-based): chr14:23,426,003, C>G on the plus strand (G>C on the coding strand, the complement: MYH7 is on the minus strand). VCF-style: chr14-23426003-C-G. GRCh37 (hg19) VCF-style: chr14-23895212-C-G.
Other names: p.G708A:GGC>GCC; short protein forms G708A.
Identifiers: ClinVar variation 42882 (VCV000042882.15), dbSNP rs397516134, ClinGen allele CA011730.
Genomic context (GRCh38, chr14:23,426,003, plus strand): 5'-CTGGTGCACCCTCATACCCACCTCTGCCGGAAGTCCCCGTAGAGGATGCGGTTGGGGAAG[C>G]CTTTCCTGCAGATGCGGATGCCCTCCAGCACACCATTGCAGCGCAGCTGGTGCATGACCA-3'
Protein context (NP_000248.2, residues 698-718): VLEGIRICRK[Gly708Ala]FPNRILYGDF